The following is an entry in ClinVar:

ClinVar aggregate classification (germline): Uncertain significance. Review status: criteria provided, multiple submitters, no conflicts (2 of 4 stars). 3 submissions from 3 submitters: Uncertain significance (3). Last evaluated 2026-08-01.

Conditions:
Malignant hyperthermia, susceptibility to, 5 (MHS5). Also called: CACNA1S-Related Malignant Hyperthermia Susceptibility. Identifiers: Orphanet 423, MedGen C1866077, MONDO:0011163, OMIM 601887.

gnomAD v4.1: 15 of 1,613,508 alleles (0.00093%); highest among the groups gnomAD compares: East Asian, 0.0045%; no homozygotes.

Submissions (3):

CeGaT Center for Human Genetics Tuebingen
Classification: Uncertain significance. Last evaluated: 2026-08-01. Review status: criteria provided, single submitter. Criteria: CeGaT Center For Human Genetics Tuebingen Variant Classification Criteria Version 2. Collection method: clinical testing. Allele origin: germline. Affected: yes. Observed: 1 variant allele.
Comment: CACNA1S: PM2

All of Us Research Program, National Institutes of Health
Classification: Uncertain significance for Malignant hyperthermia, susceptibility to, 5. Last evaluated: 2024-04-25. Review status: criteria provided, single submitter. Criteria: ACMG Guidelines, 2015. Collection method: clinical testing. Allele origin: germline. Inheritance: Autosomal dominant inheritance. Observed: 1 variant allele, 1 heterozygote.
Comment: This missense variant replaces glycine with serine at codon 1459 of the CACNA1S protein. Computational prediction is inconclusive regarding the impact of this variant on protein structure and function (internally defined REVEL score threshold 0.5 < inconclusive < 0.7, PMID: 27666373). To our knowledge, functional studies have not been reported for this variant. This variant has not been reported in individuals affected with CACNA1S-related disorders in the literature. This variant has been identified in 3/250718 chromosomes in the general population by the Genome Aggregation Database (gnomAD). The available evidence is insufficient to determine the role of this variant in disease conclusively. Therefore, this variant is classified as a Variant of Uncertain Significance.

This study involves interpretation of variants in research participants for the purpose of population health screening. Participant phenotype was not available at the time of variant classification. Additional details can be found in publication PMID: 35346344, PMCID: PMC8962531

Color Diagnostics, LLC DBA Color Health
Classification: Uncertain significance for Malignant hyperthermia, susceptibility to, 5. Last evaluated: 2024-04-10. Review status: criteria provided, single submitter. Criteria: ACMG Guidelines, 2015. Collection method: clinical testing. Allele origin: germline.
Comment: This missense variant replaces glycine with serine at codon 1459 of the CACNA1S protein. Computational prediction is inconclusive regarding the impact of this variant on protein structure and function. To our knowledge, functional studies have not been reported for this variant. This variant has not been reported in individuals affected with CACNA1S-related disorders in the literature. This variant has been identified in 3/250718 chromosomes in the general population by the Genome Aggregation Database (gnomAD). The available evidence is insufficient to determine the role of this variant in disease conclusively. Therefore, this variant is classified as a Variant of Uncertain Significance.

NM_000069.3(CACNA1S):c.4375G>A (p.Gly1459Ser)

Gene: CACNA1S (calcium voltage-gated channel subunit alpha1 S; minus strand). Cytogenetic location: 1q32.1.
Variant type: single nucleotide variant.
Coding change: c.4375G>A on transcript NM_000069.3 (MANE Select); coding-DNA position 4375, G replaced by A.
Protein change: p.Gly1459Ser; replaces glycine 1459 with serine.
Molecular consequence: missense variant.
Genome position (GRCh38, 1-based): chr1:201,048,648, C>T on the plus strand (G>A on the coding strand, the complement: CACNA1S is on the minus strand). VCF-style: chr1-201048648-C-T. GRCh37 (hg19) VCF-style: chr1-201017776-C-T.
Other names: short protein forms G1459S.
Identifiers: ClinVar variation 3386302 (VCV003386302.3).
Genomic context (GRCh38, chr1:201,048,648, plus strand): 5'-TCTTGATCTTGAGTGCCGTGCGGACCAGGGCAAAGAGTGTGGCATTGAAGGTGACTGTGC[C>T]GTCGCTGTTCAGGGGCATGTTCATGCCCACCAGCCGCTGTACAGGGAGACGCAGTGGCCT-3'
Protein context (NP_000060.2, residues 1449-1469): VGMNMPLNSD[Gly1459Ser]TVTFNATLFA